The following is an entry in ClinVar:

NM_000553.6(WRN):c.3499C>T (p.His1167Tyr)

Gene: WRN (WRN RecQ like helicase; plus strand). Cytogenetic location: 8p12.
Variant type: single nucleotide variant.
Coding change: c.3499C>T on transcript NM_000553.6 (MANE Select); coding-DNA position 3499, C replaced by T.
Protein change: p.His1167Tyr; replaces histidine 1167 with tyrosine.
Molecular consequence: missense variant.
Genome position (GRCh38, 1-based): chr8:31,147,403, C>T. VCF-style: chr8-31147403-C-T. GRCh37 (hg19) VCF-style: chr8-31004919-C-T.
Other names: short protein forms H1167Y.
Identifiers: ClinVar variation 966347 (VCV000966347.6), dbSNP rs1255250156, ClinGen allele CA370925791.
Genomic context (GRCh38, chr8:31,147,403, plus strand): 5'-GTTTCTTTGTTTTTTGTTCAGATTGTGTTATATGGCAAATTGGTAGAAGCTAGGCAGAAA[C>T]ATGCCAATAAAATGGATGTTCCCCCAGCTATTCTGGCAACAAACAAGATACTGGTGGATA-3'
Protein context (NP_000544.2, residues 1157-1177): YGKLVEARQK[His1167Tyr]ANKMDVPPAI

ClinVar aggregate classification (germline): Uncertain significance (1 of 4 stars; one submission).

Conditions:
Werner syndrome (WRN). Identifiers: Orphanet 902, MedGen C0043119, MONDO:0010196, OMIM 277700.

Allele frequency attached by ClinVar (database versions not stated): gnomAD exomes below 0.00001.
gnomAD v4.1: 2 of 1,614,040 alleles (0.00012%); highest among the groups gnomAD compares: Admixed American, 0.0017%; no homozygotes.

Submission:

Labcorp Genetics (formerly Invitae), Labcorp
Classification: Uncertain significance for Werner syndrome. Last evaluated: 2025-01-20. Review status: criteria provided, single submitter. Criteria: Invitae Variant Classification Sherloc (09022015). Collection method: clinical testing. Allele origin: germline.
Comment: This sequence change replaces histidine, which is basic and polar, with tyrosine, which is neutral and polar, at codon 1167 of the WRN protein (p.His1167Tyr). This variant is present in population databases (no rsID available, gnomAD 0.003%). This variant has not been reported in the literature in individuals affected with WRN-related conditions. ClinVar contains an entry for this variant (Variation ID: 966347). An algorithm developed to predict the effect of missense changes on protein structure and function outputs the following: PolyPhen-2: "Benign". The tyrosine amino acid residue is found in multiple mammalian species, which suggests that this missense change does not adversely affect protein function. In summary, the available evidence is currently insufficient to determine the role of this variant in disease. Therefore, it has been classified as a Variant of Uncertain Significance.